The following is an entry in ClinVar:

NM_004415.4(DSP):c.7927G>A (p.Asp2643Asn)

Gene: DSP (desmoplakin; plus strand). Cytogenetic location: 6p24.3.
Variant type: single nucleotide variant.
Coding change: c.7927G>A on transcript NM_004415.4 (MANE Select); coding-DNA position 7927, G replaced by A.
Protein change: p.Asp2643Asn; replaces aspartic acid 2643 with asparagine.
Molecular consequence: missense variant.
Genome position (GRCh38, 1-based): chr6:7,585,189, G>A. VCF-style: chr6-7585189-G-A. GRCh37 (hg19) VCF-style: chr6-7585422-G-A.
Other names: c.6130G>A, p.Asp2044Asn (NM_001008844.3); c.6598G>A, p.Asp2200Asn (NM_001319034.2); short protein forms D2643N, D2044N, D2200N.
Identifiers: ClinVar variation 1909686 (VCV001909686.5), dbSNP rs2533948685, ClinGen allele CA362694075.

ClinVar aggregate classification (germline): Uncertain significance (1 of 4 stars; one submission).

Conditions:
Arrhythmogenic cardiomyopathy with wooly hair and keratoderma. Also called: Carvajal syndrome; PALMOPLANTAR KERATODERMA WITH LEFT VENTRICULAR CARDIOMYOPATHY AND WOOLLY HAIR; Dilated cardiomyopathy with woolly hair and keratoderma; Arrhythmogenic cardiomyopathy with woolly hair and keratoderma. Identifiers: Orphanet 65282, MedGen C1854063, MONDO:0011581, OMIM 605676.
Arrhythmogenic right ventricular dysplasia 8 (ARVD8). Also called: ARRHYTHMOGENIC RIGHT VENTRICULAR CARDIOMYOPATHY 8; ARRHYTHMOGENIC RIGHT VENTRICULAR DYSPLASIA, FAMILIAL, 8; Arrhythmogenic Right Ventricular Dysplasia/Cardiomyopathy 8. Identifiers: MedGen C1843896, MONDO:0011831, OMIM 607450.

Allele frequency attached by ClinVar (database versions not stated): gnomAD exomes below 0.00001.
gnomAD v4.1: 1 of 1,614,158 alleles (0.000062%); highest among the groups gnomAD compares: Non-Finnish European, 0.000085%; no homozygotes.

Submission:

Labcorp Genetics (formerly Invitae), Labcorp
Classification: Uncertain significance for Arrhythmogenic cardiomyopathy with wooly hair and keratoderma; Arrhythmogenic right ventricular dysplasia 8. Last evaluated: 2022-04-03. Review status: criteria provided, single submitter. Criteria: Invitae Variant Classification Sherloc (09022015). Collection method: clinical testing. Allele origin: germline.
Comment: In summary, the available evidence is currently insufficient to determine the role of this variant in disease. Therefore, it has been classified as a Variant of Uncertain Significance. Algorithms developed to predict the effect of missense changes on protein structure and function are either unavailable or do not agree on the potential impact of this missense change (SIFT: "Deleterious"; PolyPhen-2: "Probably Damaging"; Align-GVGD: "Class C15"). This variant has not been reported in the literature in individuals affected with DSP-related conditions. This variant is not present in population databases (gnomAD no frequency). This sequence change replaces aspartic acid, which is acidic and polar, with asparagine, which is neutral and polar, at codon 2643 of the DSP protein (p.Asp2643Asn).